The following is an entry in ClinVar:

NM_023067.4(FOXL2):c.650C>T (p.Ser217Phe)

Gene: FOXL2 (forkhead box L2; minus strand). Cytogenetic location: 3q22.3.
Variant type: single nucleotide variant.
Coding change: c.650C>T on transcript NM_023067.4 (MANE Select); coding-DNA position 650, C replaced by T.
Protein change: p.Ser217Phe; replaces serine 217 with phenylalanine.
Molecular consequence: missense variant.
Genome position (GRCh38, 1-based): chr3:138,946,073, G>A on the plus strand (C>T on the coding strand, the complement: FOXL2 is on the minus strand). VCF-style: chr3-138946073-G-A. GRCh37 (hg19) VCF-style: chr3-138664915-G-A.
Other names: short protein forms S217F.
Identifiers: ClinVar variation 180594 (VCV000180594.13), dbSNP rs797044527, ClinGen allele CA347073.

ClinVar aggregate classification (germline): Pathogenic/Likely pathogenic. Review status: criteria provided, multiple submitters, no conflicts (2 of 4 stars). 5 submissions from 5 submitters: Pathogenic (2); Likely pathogenic (1). 2 of the submissions do not count toward it. Last evaluated 2023-10-23.

Conditions:
FOXL2-related disorders.
Blepharophimosis, ptosis, and epicanthus inversus syndrome. Identifiers: Orphanet 126, MedGen C0220663, MONDO:0007201, OMIM 110100.

Submissions (5):

GeneDx
Classification: Pathogenic. Last evaluated: 2023-10-23. Review status: criteria provided, single submitter. Criteria: GeneDx Variant Classification Process June 2021. Collection method: clinical testing. Allele origin: germline. Affected: yes.
Comment: Published functional studies demonstrate a damaging effect, showing an increased transactivation activity (PMID: 19010791, 19515849, 18372316); Identified in multiple unrelated individuals with features of blepharophimosis-ptosis-epicanthus inversus syndrome referred for genetic testing at GeneDx and in the published literature (PMID: 11468277); Not observed at significant frequency in large population cohorts (gnomAD); This variant is associated with the following publications: (PMID: 19515849, 18372316, 22312189, 20067892, 19010791, 11468277)

Labcorp Genetics (formerly Invitae), Labcorp
Classification: Pathogenic. Last evaluated: 2022-08-16. Review status: criteria provided, single submitter. Criteria: Invitae Variant Classification Sherloc (09022015). Collection method: clinical testing. Allele origin: germline.
Comment: For these reasons, this variant has been classified as Pathogenic. This variant disrupts the p.Ser217 amino acid residue in FOXL2. Other variant(s) that disrupt this residue have been determined to be pathogenic (PMID: 17277738, 19515849, 22312189). This suggests that this residue is clinically significant, and that variants that disrupt this residue are likely to be disease-causing. Experimental studies are conflicting or provide insufficient evidence to determine the effect of this variant on FOXL2 function (PMID: 18372316, 19010791). Algorithms developed to predict the effect of missense changes on protein structure and function are either unavailable or do not agree on the potential impact of this missense change (SIFT: "Deleterious"; PolyPhen-2: "Possibly Damaging"; Align-GVGD: "Class C0"). ClinVar contains an entry for this variant (Variation ID: 180594). This missense change has been observed in individual(s) with blepharophimosis (PMID: 11468277, 31077882). It has also been observed to segregate with disease in related individuals. This variant is not present in population databases (gnomAD no frequency). This sequence change replaces serine, which is neutral and polar, with phenylalanine, which is neutral and non-polar, at codon 217 of the FOXL2 protein (p.Ser217Phe).

Blueprint Genetics
Classification: Likely pathogenic for FOXL2-related disorders. Last evaluated: 2021-07-19. Review status: criteria provided, single submitter. Criteria: ACMG Guidelines, 2015. Collection method: clinical testing. Allele origin: germline. Affected: yes. Observed: 2 variant alleles.

Wessex Regional Genetics Laboratory, Salisbury District Hospital
Classification: Likely pathogenic for Blepharophimosis, ptosis, and epicanthus inversus syndrome. Last evaluated: 2018-01-01. Review status: no assertion criteria provided. Criteria: ACMG Guidelines, 2015. Collection method: clinical testing. Allele origin: maternal. Inheritance: Autosomal dominant inheritance. Affected: yes. Not counted in ClinVar's aggregate classification.

GeneReviews
No classification provided. Condition: Blepharophimosis, ptosis, and epicanthus inversus syndrome. Review status: no classification provided. Collection method: literature only. Allele origin: germline. Affected: yes. Not counted in ClinVar's aggregate classification.

Literature cited by the submitters: PubMed 17277738 (cited by Labcorp Genetics (formerly Invitae), Labcorp); PubMed 19515849 (cited by Labcorp Genetics (formerly Invitae), Labcorp); PubMed 22312189 (cited by Labcorp Genetics (formerly Invitae), Labcorp); PubMed 18372316 (cited by Labcorp Genetics (formerly Invitae), Labcorp); PubMed 19010791 (cited by Labcorp Genetics (formerly Invitae), Labcorp); PubMed 11468277 (cited by Labcorp Genetics (formerly Invitae), Labcorp); PubMed 31077882 (cited by Labcorp Genetics (formerly Invitae), Labcorp); NCBI Bookshelf NBK1441 (cited by GeneReviews).